The following is an entry in ClinVar:

NM_000157.4(GBA1):c.1258dup (p.Trp420fs)

Genes: GBA1 (glucosylceramidase beta 1; minus strand), LOC106627981 (GBA recombination region; plus strand). Cytogenetic location: 1q22.
Variant type: Duplication.
Coding change: c.1258dup on transcript NM_000157.4 (MANE Select); coding-DNA position 1258, one base duplicated (T; older notation c.1258dupT).
Protein change: p.Trp420fs; shifts the reading frame from tryptophan 420.
Molecular consequence: frameshift variant.
Genome position (GRCh38, 1-based): chr1:155,235,811, A duplicated on the plus strand (T on the coding strand, the reverse complement: GBA1 is on the minus strand). VCF-style (leftmost placement, unchanged base first): chr1-155235810-C-CA. GRCh37 (hg19) VCF-style: chr1-155205601-C-CA.
Other names: c.1258dup, p.Trp420fs (NM_001005741.3, NM_001005742.3); c.997dup, p.Trp333fs (NM_001171811.2); c.1111dup, p.Trp371fs (NM_001171812.2); short protein forms W333fs, W371fs, W420fs.
Identifiers: ClinVar variation 4817707 (VCV004817707.1).
Genomic context (GRCh38, chr1:155,235,810, plus strand): 5'-GGACTGTCGACAAAGTTACGCACCCAATTGGGTCCTCCTTCGGGGTTCAGGGCAAGGTTC[C>CA]AGTCGGTCCAGCCGACCACATGGTACAGGAGGTTCTAGGGTAAGGACAAAGGCAAAGAGA-3'

ClinVar aggregate classification (germline): Likely pathogenic (1 of 4 stars; one submission).

Conditions:
Gaucher disease. Also called: Acute cerebral Gaucher disease; Cerebroside lipidosis syndrome; Gaucher splenomegaly; Sphingolipidosis 1; Glucocerebrosidosis; Glucosylceramidase deficiency. Identifiers: Orphanet 355, MedGen C0017205, MONDO:0018150.

Submission:

Natera, Inc.
Classification: Likely pathogenic for Gaucher disease. Last evaluated: 2025-07-07. Review status: criteria provided, single submitter. Criteria: Natera Variant Classification Schema (03/2026). Collection method: clinical testing. Allele origin: germline.
Comment: The c.1258dup variant in GBA1 is a frameshift variant predicted to shift the reading frame beginning at codon 420 and leads to a stop codon 16 codons downstream. This variant is expected to result in nonsense mediated decay, truncation, or a dysfunctional protein product. This variant is rare in the general population with a frequency below the threshold expected for the associated phenotype(s). Given the available evidence, this variant is classified as Likely Pathogenic.